The following is an entry in ClinVar:

NM_003183.6(ADAM17):c.980A>G (p.Glu327Gly)

Gene: ADAM17 (ADAM metallopeptidase domain 17; minus strand). Cytogenetic location: 2p25.1.
Variant type: single nucleotide variant.
Coding change: c.980A>G on transcript NM_003183.6 (MANE Select); coding-DNA position 980, A replaced by G.
Protein change: p.Glu327Gly; replaces glutamic acid 327 with glycine.
Molecular consequence: missense variant.
Genome position (GRCh38, 1-based): chr2:9,518,225, T>C on the plus strand (A>G on the coding strand, the complement: ADAM17 is on the minus strand). VCF-style: chr2-9518225-T-C. GRCh37 (hg19) VCF-style: chr2-9658354-T-C.
Other names: c.320A>G, p.Glu107Gly (NM_001382777.1); c.83A>G, p.Glu28Gly (NM_001382778.1); short protein forms E107G, E28G, E327G.
Identifiers: ClinVar variation 1466360 (VCV001466360.5), dbSNP rs779424893, ClinGen allele CA1523603.

ClinVar aggregate classification (germline): Uncertain significance (1 of 4 stars; one submission).

Conditions:
Inflammatory skin and bowel disease, neonatal, 1. Identifiers: Orphanet 294023, MedGen C3280501, MONDO:0013693, OMIM 614328.

Allele frequency attached by ClinVar (database versions not stated): ExAC 0.00001; gnomAD 0.00001; gnomAD exomes 0.00001 and 0.00002.
gnomAD v4.1: 18 of 1,357,468 alleles (0.0013%); highest among the groups gnomAD compares: Admixed American, 0.0028%; no homozygotes.

Submission:

Labcorp Genetics (formerly Invitae), Labcorp
Classification: Uncertain significance for Inflammatory skin and bowel disease, neonatal, 1. Last evaluated: 2024-09-29. Review status: criteria provided, single submitter. Criteria: Invitae Variant Classification Sherloc (09022015). Collection method: clinical testing. Allele origin: germline.
Comment: This sequence change replaces glutamic acid, which is acidic and polar, with glycine, which is neutral and non-polar, at codon 327 of the ADAM17 protein (p.Glu327Gly). This variant is present in population databases (rs779424893, gnomAD 0.005%). This variant has not been reported in the literature in individuals affected with ADAM17-related conditions. ClinVar contains an entry for this variant (Variation ID: 1466360). An algorithm developed to predict the effect of missense changes on protein structure and function (PolyPhen-2) suggests that this variant is likely to be tolerated. In summary, the available evidence is currently insufficient to determine the role of this variant in disease. Therefore, it has been classified as a Variant of Uncertain Significance.